The following is an entry in ClinVar:

ClinVar aggregate classification (germline): Uncertain significance (1 of 4 stars; one submission).

Allele frequency attached by ClinVar (database versions not stated): gnomAD exomes below 0.00001; ExAC 0.00001.
gnomAD v4.1: 2 of 1,614,058 alleles (0.00012%); highest among the groups gnomAD compares: East Asian, 0.0022%; no homozygotes.

Submission:

Labcorp Genetics (formerly Invitae), Labcorp
Classification: Uncertain significance. Last evaluated: 2022-04-04. Review status: criteria provided, single submitter. Criteria: Invitae Variant Classification Sherloc (09022015). Collection method: clinical testing. Allele origin: germline.
Comment: In summary, the available evidence is currently insufficient to determine the role of this variant in disease. Therefore, it has been classified as a Variant of Uncertain Significance. Algorithms developed to predict the effect of missense changes on protein structure and function (SIFT, PolyPhen-2, Align-GVGD) all suggest that this variant is likely to be tolerated. This variant has not been reported in the literature in individuals affected with CSF2RB-related conditions. This variant is present in population databases (rs778152713, gnomAD 0.006%). This sequence change replaces valine, which is neutral and non-polar, with isoleucine, which is neutral and non-polar, at codon 785 of the CSF2RB protein (p.Val785Ile).

NM_000395.3(CSF2RB):c.2353G>A (p.Val785Ile)

Gene: CSF2RB (colony stimulating factor 2 receptor subunit beta; plus strand). Cytogenetic location: 22q12.3.
Variant type: single nucleotide variant.
Coding change: c.2353G>A on transcript NM_000395.3 (MANE Select); coding-DNA position 2353, G replaced by A.
Protein change: p.Val785Ile; replaces valine 785 with isoleucine.
Molecular consequence: missense variant.
Genome position (GRCh38, 1-based): chr22:36,938,161, G>A. VCF-style: chr22-36938161-G-A. GRCh37 (hg19) VCF-style: chr22-37334203-G-A.
Other names: short protein forms V785I.
Identifiers: ClinVar variation 1511086 (VCV001511086.8), dbSNP rs778152713, ClinGen allele CA10214097.
Genomic context (GRCh38, chr22:36,938,161, plus strand): 5'-GGCTATGTGGAGCTCCCTCCAATTGAGGGCCGGTCCCCCAGGTCACCAAGGAACAATCCT[G>A]TCCCCCCTGAGGCCAAAAGCCCTGTCCTGAACCCAGGGGAACGCCCGGCAGATGTGTCCC-3'
Protein context (NP_000386.1, residues 775-795): RSPRSPRNNP[Val785Ile]PPEAKSPVLN